The following is an entry in ClinVar:

ClinVar aggregate classification (germline): Uncertain significance. Review status: criteria provided, multiple submitters, no conflicts (2 of 4 stars). 2 submissions from 2 submitters: Uncertain significance (2). Last evaluated 2025-10-30.

Conditions:
Gastrointestinal stromal tumor. Also called: Gastrointestinal stromal tumor, somatic; Gastrointestinal stroma tumor. Identifiers: Orphanet 44890, MedGen C0238198, MeSH D046152, MONDO:0011719, OMIM 606764, HP:0100723.
Hereditary cancer-predisposing syndrome. Also called: Hereditary Cancer Syndrome; Tumor predisposition; Neoplastic Syndromes, Hereditary; Hereditary neoplastic syndrome. Identifiers: Orphanet 140162, MedGen C0027672, MeSH D009386, MONDO:0015356.

Allele frequency attached by ClinVar (database versions not stated): gnomAD exomes below 0.00001; gnomAD 0.00001; TOPMed 0.00001.
gnomAD v4.1: 5 of 1,613,906 alleles (0.00031%); highest among the groups gnomAD compares: East Asian, 0.0022%; no homozygotes.

Submissions (2):

Ambry Genetics
Classification: Uncertain significance for Hereditary cancer-predisposing syndrome. Last evaluated: 2025-10-30. Review status: criteria provided, single submitter. Criteria: Ambry Variant Classification Scheme 2023. Collection method: clinical testing. Allele origin: germline.
Comment: The p.R558C variant (also known as c.1672C>T), located in coding exon 11 of the PDGFRA gene, results from a C to T substitution at nucleotide position 1672. The arginine at codon 558 is replaced by cysteine, an amino acid with highly dissimilar properties. This amino acid position is highly conserved in available vertebrate species. In addition, this alteration is predicted to be deleterious by in silico analysis. Based on the available evidence, the clinical significance of this variant remains unclear.

Labcorp Genetics (formerly Invitae), Labcorp
Classification: Uncertain significance for Gastrointestinal stromal tumor. Last evaluated: 2025-02-15. Review status: criteria provided, single submitter. Criteria: Invitae Variant Classification Sherloc (09022015). Collection method: clinical testing. Allele origin: germline.
Comment: This sequence change replaces arginine, which is basic and polar, with cysteine, which is neutral and slightly polar, at codon 558 of the PDGFRA protein (p.Arg558Cys). This variant is not present in population databases (gnomAD no frequency). This variant has not been reported in the literature in individuals affected with PDGFRA-related conditions. ClinVar contains an entry for this variant (Variation ID: 575193). Invitae Evidence Modeling of protein sequence and biophysical properties (such as structural, functional, and spatial information, amino acid conservation, physicochemical variation, residue mobility, and thermodynamic stability) has been performed for this missense variant. However, the output from this modeling did not meet the statistical confidence thresholds required to predict the impact of this variant on PDGFRA protein function. In summary, the available evidence is currently insufficient to determine the role of this variant in disease. Therefore, it has been classified as a Variant of Uncertain Significance.

NM_006206.6(PDGFRA):c.1672C>T (p.Arg558Cys)

Gene: PDGFRA (platelet derived growth factor receptor alpha; plus strand). Cytogenetic location: 4q12.
Variant type: single nucleotide variant.
Coding change: c.1672C>T on transcript NM_006206.6 (MANE Select); coding-DNA position 1672, C replaced by T.
Protein change: p.Arg558Cys; replaces arginine 558 with cysteine.
Molecular consequence: missense variant.
Genome position (GRCh38, 1-based): chr4:54,274,859, C>T. VCF-style: chr4-54274859-C-T. GRCh37 (hg19) VCF-style: chr4-55141026-C-T.
Other names: c.1672C>T, p.Arg558Cys (NM_001347827.2, NM_001347829.2); c.1747C>T, p.Arg583Cys (NM_001347828.2); c.1711C>T, p.Arg571Cys (NM_001347830.2); short protein forms R558C, R583C, R571C.
Identifiers: ClinVar variation 575193 (VCV000575193.15), dbSNP rs765680542, ClinGen allele CA96859675.